The following is an entry in ClinVar:

NM_015030.2(FRYL):c.7364T>C (p.Leu2455Pro)

Gene: FRYL (FRY like transcription coactivator; minus strand). Cytogenetic location: 4p11.
Variant type: single nucleotide variant.
Coding change: c.7364T>C on transcript NM_015030.2 (MANE Select); coding-DNA position 7364, T replaced by C.
Protein change: p.Leu2455Pro; replaces leucine 2455 with proline.
Molecular consequence: missense variant.
Genome position (GRCh38, 1-based): chr4:48,523,058, A>G on the plus strand (T>C on the coding strand, the complement: FRYL is on the minus strand). VCF-style: chr4-48523058-A-G. GRCh37 (hg19) VCF-style: chr4-48525075-A-G.
Other names: short protein forms L2455P.
Identifiers: ClinVar variation 3372250 (VCV003372250.1).

ClinVar aggregate classification (germline): Uncertain significance (1 of 4 stars; one submission).

Submission:

GeneDx
Classification: Uncertain significance. Last evaluated: 2024-04-14. Review status: criteria provided, single submitter. Criteria: GeneDx Variant Classification Process June 2021. Collection method: clinical testing. Allele origin: germline. Affected: yes.
Comment: Not observed at significant frequency in large population cohorts (gnomAD); In silico analysis supports that this missense variant has a deleterious effect on protein structure/function; Has not been previously published as pathogenic or benign to our knowledge